The following is an entry in ClinVar:

NM_001144967.3(NEDD4L):c.1309A>T (p.Ile437Phe)

Gene: NEDD4L (NEDD4 like E3 ubiquitin protein ligase; plus strand). Cytogenetic location: 18q21.31.
Variant type: single nucleotide variant.
Coding change: c.1309A>T on transcript NM_001144967.3 (MANE Select); coding-DNA position 1309, A replaced by T.
Protein change: p.Ile437Phe; replaces isoleucine 437 with phenylalanine.
Molecular consequence: missense variant.
Genome position (GRCh38, 1-based): chr18:58,341,729, A>T. VCF-style: chr18-58341729-A-T. GRCh37 (hg19) VCF-style: chr18-56008961-A-T.
Other names: c.946A>T, p.Ile316Phe (NM_001144964.1, NM_001144965.2, NM_001144966.3); c.1285A>T, p.Ile429Phe (NM_001144968.2); c.1225A>T, p.Ile409Phe (NM_001144969.2); c.886A>T, p.Ile296Phe (NM_001144970.3, NM_001144971.2); c.1117A>T, p.Ile373Phe (NM_001243960.2); c.1249A>T, p.Ile417Phe (NM_015277.6); short protein forms I409F, I429F, I316F, I296F, I437F, I373F, I417F.
Identifiers: ClinVar variation 3655430 (VCV003655430.2).
Genomic context (GRCh38, chr18:58,341,729, plus strand): 5'-CCAAAATAGCTTGCAGAAGATGGTGCGTCCGGATCAGCCACAAACAGTAACAACCATCTA[A>T]TCGAGCCTCAGATCCGCCGGCCTCGTAGCCTCAGCTCGCCAACAGTAACTTTATCTGCCC-3'
Protein context (NP_001138439.1, residues 427-447): GSATNSNNHL[Ile437Phe]EPQIRRPRSL

ClinVar aggregate classification (germline): Uncertain significance (1 of 4 stars; one submission).

Submission:

Labcorp Genetics (formerly Invitae), Labcorp
Classification: Uncertain significance. Last evaluated: 2024-06-04. Review status: criteria provided, single submitter. Criteria: Invitae Variant Classification Sherloc (09022015). Collection method: clinical testing. Allele origin: germline.
Comment: This sequence change replaces isoleucine, which is neutral and non-polar, with phenylalanine, which is neutral and non-polar, at codon 417 of the NEDD4L protein (p.Ile417Phe). This variant is not present in population databases (gnomAD no frequency). This variant has not been reported in the literature in individuals affected with NEDD4L-related conditions. Advanced modeling of protein sequence and biophysical properties (such as structural, functional, and spatial information, amino acid conservation, physicochemical variation, residue mobility, and thermodynamic stability) performed at Invitae indicates that this missense variant is not expected to disrupt NEDD4L protein function with a negative predictive value of 80%. In summary, the available evidence is currently insufficient to determine the role of this variant in disease. Therefore, it has been classified as a Variant of Uncertain Significance.